The following is an entry in ClinVar:

NM_001378969.1(KCND3):c.811T>G (p.Tyr271Asp)

Gene: KCND3 (potassium voltage-gated channel subfamily D member 3; minus strand). Cytogenetic location: 1p13.2.
Variant type: single nucleotide variant.
Coding change: c.811T>G on transcript NM_001378969.1 (MANE Select); coding-DNA position 811, T replaced by G.
Protein change: p.Tyr271Asp; replaces tyrosine 271 with aspartic acid.
Molecular consequence: missense variant.
Genome position (GRCh38, 1-based): chr1:111,981,916, A>C on the plus strand (T>G on the coding strand, the complement: KCND3 is on the minus strand). VCF-style: chr1-111981916-A-C. GRCh37 (hg19) VCF-style: chr1-112524538-A-C.
Other names: c.811T>G, p.Tyr271Asp (NM_001378970.1, NM_004980.5, NM_172198.3); short protein forms Y271D.
Identifiers: ClinVar variation 2581839 (VCV002581839.1), dbSNP rs2525699570, ClinGen allele CA341821307.

ClinVar aggregate classification (germline): Uncertain significance (1 of 4 stars; one submission).

Submission:

GeneDx
Classification: Uncertain significance. Last evaluated: 2023-03-30. Review status: criteria provided, single submitter. Criteria: GeneDx Variant Classification Process June 2021. Collection method: clinical testing. Allele origin: germline. Affected: yes.
Comment: Not observed at significant frequency in large population cohorts (gnomAD); In silico analysis supports that this missense variant has a deleterious effect on protein structure/function; Has not been previously published as pathogenic or benign to our knowledge